The following is an entry in ClinVar:

ClinVar aggregate classification (germline): Uncertain significance. Review status: criteria provided, multiple submitters, no conflicts (2 of 4 stars). 2 submissions from 2 submitters: Uncertain significance (2). Last evaluated 2024-09-30.

Conditions:
Mitochondrial complex II deficiency, nuclear type 1. Also called: SUCCINATE CoQ REDUCTASE DEFICIENCY. Identifiers: Orphanet 3208, MedGen C5700310, MONDO:0100294, OMIM 252011.
Pheochromocytoma/paraganglioma syndrome 5. Also called: Paragangliomas 5; SDHA-Related Hereditary Paraganglioma-Pheochromocytoma Syndrome. Identifiers: Orphanet 29072, MedGen C3279992, MONDO:0013602, OMIM 614165.
Hereditary cancer-predisposing syndrome. Also called: Neoplastic Syndromes, Hereditary; Hereditary Cancer Syndrome; Hereditary neoplastic syndrome; Tumor predisposition. Identifiers: Orphanet 140162, MedGen C0027672, MeSH D009386, MONDO:0015356.

gnomAD v4.1: 3 of 1,613,854 alleles (0.00019%); highest among the groups gnomAD compares: Admixed American, 0.005%; no homozygotes.

Submissions (2):

Ambry Genetics
Classification: Uncertain significance for Hereditary cancer-predisposing syndrome. Last evaluated: 2024-09-30. Review status: criteria provided, single submitter. Criteria: Ambry Variant Classification Scheme 2023. Collection method: clinical testing. Allele origin: germline.
Comment: The p.H370Y variant (also known as c.1108C>T), located in coding exon 9 of the SDHA gene, results from a C to T substitution at nucleotide position 1108. The histidine at codon 370 is replaced by tyrosine, an amino acid with similar properties. This amino acid position is conserved. In addition, the in silico prediction for this alteration is inconclusive. Based on the available evidence, the clinical significance of this variant remains unclear.

Labcorp Genetics (formerly Invitae), Labcorp
Classification: Uncertain significance for Pheochromocytoma/paraganglioma syndrome 5; Mitochondrial complex II deficiency, nuclear type 1. Last evaluated: 2023-02-06. Review status: criteria provided, single submitter. Criteria: Invitae Variant Classification Sherloc (09022015). Collection method: clinical testing. Allele origin: germline.
Comment: This variant is not present in population databases (gnomAD no frequency). Advanced modeling of protein sequence and biophysical properties (such as structural, functional, and spatial information, amino acid conservation, physicochemical variation, residue mobility, and thermodynamic stability) performed at Invitae indicates that this missense variant is not expected to disrupt SDHA protein function. ClinVar contains an entry for this variant (Variation ID: 1518362). This variant has not been reported in the literature in individuals affected with SDHA-related conditions. This sequence change replaces histidine, which is basic and polar, with tyrosine, which is neutral and polar, at codon 370 of the SDHA protein (p.His370Tyr). In summary, the available evidence is currently insufficient to determine the role of this variant in disease. Therefore, it has been classified as a Variant of Uncertain Significance.

NM_004168.4(SDHA):c.1108C>T (p.His370Tyr)

Gene: SDHA (succinate dehydrogenase complex flavoprotein subunit A; plus strand). Cytogenetic location: 5p15.33.
Variant type: single nucleotide variant.
Coding change: c.1108C>T on transcript NM_004168.4 (MANE Select); coding-DNA position 1108, C replaced by T.
Protein change: p.His370Tyr; replaces histidine 370 with tyrosine.
Molecular consequence: missense variant.
Genome position (GRCh38, 1-based): chr5:235,187, C>T. VCF-style: chr5-235187-C-T. GRCh37 (hg19) VCF-style: chr5-235302-C-T.
Other names: c.1108C>T (NM_004168.2); c.964C>T, p.His322Tyr (NM_001294332.2); c.1108C>T, p.His370Tyr (NM_001330758.2); short protein forms H322Y, H370Y.
Identifiers: ClinVar variation 1518362 (VCV001518362.9), dbSNP rs1060503704, ClinGen allele CA359013473.